The following is an entry in ClinVar:

ClinVar aggregate classification (germline): Uncertain significance (1 of 4 stars; one submission).

Submission:

Greenwood Genetic Center Diagnostic Laboratories, Greenwood Genetic Center
Classification: Uncertain significance. Last evaluated: 2022-04-12. Review status: criteria provided, single submitter. Criteria: ACMG Guidelines, 2015. Collection method: clinical testing. Allele origin: germline. Affected: yes.
Comment: PM2

NM_001367721.1(CASK):c.*1317G>A

Genes: CASK (calcium/calmodulin dependent serine protein kinase; minus strand), CASK-AS1 (CASK antisense RNA 1; plus strand). Cytogenetic location: Xp11.4.
Variant type: single nucleotide variant.
Coding change: c.*1317G>A on transcript NM_001367721.1 (MANE Select); 1317 bases downstream of the stop codon, G replaced by A.
Molecular consequence: 3 prime UTR variant.
Genome position (GRCh38, 1-based): chrX:41,519,103, C>T on the plus strand (G>A on the coding strand, the complement: CASK is on the minus strand). VCF-style: chrX-41519103-C-T. GRCh37 (hg19) VCF-style: chrX-41378356-C-T.
Other names: c.*1317G>A (NM_001126054.3, NM_001126055.3, NM_001410745.1 and 1 more transcripts).
Identifiers: ClinVar variation 1703127 (VCV001703127.3), dbSNP rs2519645828, ClinGen allele CA2580100874.